The following is an entry in ClinVar:

NM_006231.4(POLE):c.1021-7G>A

Gene: POLE (DNA polymerase epsilon, catalytic subunit; minus strand). Cytogenetic location: 12q24.33.
Variant type: single nucleotide variant.
Coding change: c.1021-7G>A on transcript NM_006231.4 (MANE Select); 7 bases into the intron before coding-DNA position 1021, G replaced by A.
Molecular consequence: intron variant.
Genome position (GRCh38, 1-based): chr12:132,675,827, C>T on the plus strand (G>A on the coding strand, the complement: POLE is on the minus strand). VCF-style: chr12-132675827-C-T. GRCh37 (hg19) VCF-style: chr12-133252413-C-T.
Identifiers: ClinVar variation 2104594 (VCV002104594.4), dbSNP rs757600034, ClinGen allele CA2580086128.
Genomic context (GRCh38, chr12:132,675,827, plus strand): 5'-GATGGTGGGTTTGGTCTCCTGGACGTGTTCAAACCACCTTTGGATCAGATGAGCCTGAAC[C>T]CAAGTCACAGCAGTCAGAGGTCTGCTCTTTCTCTTCTTCAAGCTATTCCAAATTCCTCTC-3'

ClinVar aggregate classification (germline): Uncertain significance (1 of 4 stars; one submission).

Submission:

Labcorp Genetics (formerly Invitae), Labcorp
Classification: Uncertain significance. Last evaluated: 2025-02-25. Review status: criteria provided, single submitter. Criteria: Invitae Variant Classification Sherloc (09022015). Collection method: clinical testing. Allele origin: germline.
Comment: This sequence change falls in intron 10 of the POLE gene. It does not directly change the encoded amino acid sequence of the POLE protein. This variant is not present in population databases (gnomAD no frequency). This variant has not been reported in the literature in individuals affected with POLE-related conditions. ClinVar contains an entry for this variant (Variation ID: 2104594). Algorithms developed to predict the effect of sequence changes on RNA splicing suggest that this variant may disrupt the consensus splice site. In summary, the available evidence is currently insufficient to determine the role of this variant in disease. Therefore, it has been classified as a Variant of Uncertain Significance.